The following is an entry in ClinVar:

ClinVar aggregate classification (germline): Uncertain significance (1 of 4 stars; one submission).

Conditions:
COG8-congenital disorder of glycosylation. Also called: CDG IIh; COG8-CDG. Identifiers: Orphanet 95428, MedGen C1970021, MONDO:0012635, OMIM 611182.

Allele frequency attached by ClinVar (database versions not stated): gnomAD 0.00001; gnomAD exomes 0.00001 and 0.00002; TOPMed 0.00001; ExAC 0.00003.
gnomAD v4.1: 12 of 1,613,768 alleles (0.00074%); highest among the groups gnomAD compares: South Asian, 0.0044%; 1 homozygote.

Submission:

Labcorp Genetics (formerly Invitae), Labcorp
Classification: Uncertain significance for COG8-congenital disorder of glycosylation. Last evaluated: 2022-07-26. Review status: criteria provided, single submitter. Criteria: Invitae Variant Classification Sherloc (09022015). Collection method: clinical testing. Allele origin: germline.
Comment: This sequence change replaces arginine, which is basic and polar, with tryptophan, which is neutral and slightly polar, at codon 233 of the COG8 protein (p.Arg233Trp). In summary, the available evidence is currently insufficient to determine the role of this variant in disease. Therefore, it has been classified as a Variant of Uncertain Significance. Algorithms developed to predict the effect of missense changes on protein structure and function output the following: SIFT: "Deleterious"; PolyPhen-2: "Probably Damaging"; Align-GVGD: "Class C65". The tryptophan amino acid residue is found in multiple mammalian species, which suggests that this missense change does not adversely affect protein function. ClinVar contains an entry for this variant (Variation ID: 1364564). This variant has not been reported in the literature in individuals affected with COG8-related conditions. This variant is present in population databases (rs779008742, gnomAD 0.007%).

NM_032382.5(COG8):c.697C>T (p.Arg233Trp)

Gene: COG8 (component of oligomeric golgi complex 8; minus strand). Cytogenetic location: 16q22.1.
Variant type: single nucleotide variant.
Coding change: c.697C>T on transcript NM_032382.5 (MANE Select); coding-DNA position 697, C replaced by T.
Protein change: p.Arg233Trp; replaces arginine 233 with tryptophan.
Molecular consequence: missense variant.
Genome position (GRCh38, 1-based): chr16:69,335,237, G>A on the plus strand (C>T on the coding strand, the complement: COG8 is on the minus strand). VCF-style: chr16-69335237-G-A. GRCh37 (hg19) VCF-style: chr16-69369140-G-A.
Other names: c.697C>T, p.Arg233Trp (NM_001379263.1, NM_001374871.1, NM_001379261.1 and 4 more transcripts); short protein forms R233W.
Identifiers: ClinVar variation 1364564 (VCV001364564.6), dbSNP rs779008742, ClinGen allele CA8133881.